The following is an entry in ClinVar:

NM_020340.5(ARFGEF3):c.265G>T (p.Asp89Tyr)

Gene: ARFGEF3 (ARFGEF family member 3; plus strand). Cytogenetic location: 6q23.3.
Variant type: single nucleotide variant.
Coding change: c.265G>T on transcript NM_020340.5 (MANE Select); coding-DNA position 265, G replaced by T.
Protein change: p.Asp89Tyr; replaces aspartic acid 89 with tyrosine.
Molecular consequence: missense variant.
Genome position (GRCh38, 1-based): chr6:138,209,955, G>T. VCF-style: chr6-138209955-G-T. GRCh37 (hg19) VCF-style: chr6-138531092-G-T.
Other names: short protein forms D89Y.
Identifiers: ClinVar variation 3035248 (VCV003035248.2), dbSNP rs141094520, ClinGen allele CA4020155.
Genomic context (GRCh38, chr6:138,209,955, plus strand): 5'-TGTGCCTCTTTACAGAAGCTTCTGTCGGAAGAGAGGTTTGTATCCATGGAAACAGATTCT[G>T]ATGAGAAGCAGCTGCTCAATCAGATACTGAATGCCGTGAAAGTGACGCCTTCGCTCAACG-3'
Protein context (NP_065073.3, residues 79-99): ERFVSMETDS[Asp89Tyr]EKQLLNQILN

ClinVar aggregate classification (germline): Likely benign (0 of 4 stars; one submission).

Conditions:
ARFGEF3-related disorder. Also called: ARFGEF3-related condition.

Allele frequency attached by ClinVar (database versions not stated): 1000 Genomes Project 30x 0.00016; 1000 Genomes Project 0.00020; ESP Exome Variant Server 0.00031; gnomAD exomes 0.00042; ExAC 0.00046; gnomAD 0.00068; TOPMed 0.00074.
gnomAD v4.1: 716 of 1,613,892 alleles (0.044%); highest among the groups gnomAD compares: Admixed American, 0.28%; no homozygotes.

Submission:

PreventionGenetics, part of Exact Sciences
Classification: Likely benign for ARFGEF3-related condition. Last evaluated: 2023-02-08. Review status: no assertion criteria provided. Collection method: clinical testing. Allele origin: germline.
Comment: This variant is classified as likely benign based on ACMG/AMP sequence variant interpretation guidelines (Richards et al. 2015 PMID: 25741868, with internal and published modifications).